The following is an entry in ClinVar:

NM_000059.4(BRCA2):c.86_87del (p.Leu29fs)

Gene: BRCA2 (BRCA2 DNA repair associated; plus strand). Cytogenetic location: 13q13.1.
Variant type: Deletion.
Coding change: c.86_87del on transcript NM_000059.4 (MANE Select); coding-DNA positions 86 to 87, 2 bases deleted (TT; older notation c.86_87delTT).
Protein change: p.Leu29fs; shifts the reading frame from leucine 29.
Molecular consequence: frameshift variant.
Genome position (GRCh38, 1-based): chr13:32,319,095-32,319,096, TT deleted. VCF-style (leftmost placement, unchanged base first): chr13-32319094-CTT-C. GRCh37 (hg19) VCF-style: chr13-32893231-CTT-C.
Other names: 314delTT; c.86_87delTT (NM_000059.3); short protein forms L29fs.
Identifiers: ClinVar variation 52659 (VCV000052659.4), dbSNP rs80359722, ClinGen allele CA025780.

ClinVar aggregate classification (germline): Pathogenic. Review status: reviewed by expert panel (3 of 4 stars). 3 submissions from 3 submitters: Pathogenic (1). 2 of the submissions do not count toward it. Last evaluated 2016-09-08.

Conditions:
Hereditary breast ovarian cancer syndrome. Also called: Hereditary breast and ovarian cancer syndrome; Hereditary breast and ovarian cancer; Hereditary breast and ovarian cancer syndrome (HBOC); Breast and ovarian cancer; Hereditary breast and/or ovarian cancer syndrome; BRCA1- and BRCA2-Associated Hereditary Breast and Ovarian Cancer. Identifiers: Orphanet 145, MedGen C0677776, MeSH D061325, MONDO:0003582. Disease mechanism: loss of function.
Breast-ovarian cancer, familial, susceptibility to, 2 (BROVCA2). Also called: BRCA2 Hereditary Breast and Ovarian Cancer. Identifiers: Orphanet 145, MedGen C2675520, MONDO:0012933, OMIM 612555. Disease mechanism: loss of function.

Submissions (3):

Evidence-based Network for the Interpretation of Germline Mutant Alleles (ENIGMA)
Classification: Pathogenic for Breast-ovarian cancer, familial, susceptibility to, 2. Last evaluated: 2016-09-08. Review status: reviewed by expert panel. Criteria: ENIGMA BRCA1/2 Classification Criteria (2015). Collection method: curation. Allele origin: germline.
Comment: Variant allele predicted to encode a truncated non-functional protein.

Research Molecular Genetics Laboratory, Women's College Hospital, University of Toronto
Classification: Pathogenic for Hereditary breast ovarian cancer syndrome. Last evaluated: 2014-01-31. Review status: no assertion criteria provided. Collection method: research. Allele origin: germline. Affected: yes. Study: The Canadian Open Genetics Repository (COGR). Not counted in ClinVar's aggregate classification.

Breast Cancer Information Core (BIC) (BRCA2)
Classification: Pathogenic for Breast-ovarian cancer, familial 2. Last evaluated: 1997-11-13. Review status: no assertion criteria provided. Collection method: clinical testing. Allele origin: germline. Affected: yes. Observed: 1 variant allele. Not counted in ClinVar's aggregate classification.